The following is an entry in ClinVar:

ClinVar aggregate classification (germline): Uncertain significance. Review status: criteria provided, multiple submitters, no conflicts (2 of 4 stars). 2 submissions from 2 submitters: Uncertain significance (2). Last evaluated 2024-10-15.

Conditions:
Developmental and epileptic encephalopathy, 25 (DEE25). Also called: Epileptic encephalopathy, early infantile, 25; Developmental and epileptic encephalopathy 25, with amelogenesis imperfecta; Epileptic encephalopathy, early infantile, 25, with amelogenesis imperfecta. Identifiers: Orphanet 442835, MedGen C4014621, MONDO:0014392, OMIM 615905.

Allele frequency attached by ClinVar (database versions not stated): gnomAD 0.00001; TOPMed 0.00001; gnomAD exomes 0.00002.
gnomAD v4.1: 32 of 1,614,118 alleles (0.002%); highest among the groups gnomAD compares: Non-Finnish European, 0.0027%; no homozygotes.

Submissions (2):

GeneDx
Classification: Uncertain significance. Last evaluated: 2024-10-15. Review status: criteria provided, single submitter. Criteria: GeneDx Variant Classification Process June 2021. Collection method: clinical testing. Allele origin: germline. Affected: yes.
Comment: Not observed at significant frequency in large population cohorts (gnomAD); In silico analysis supports that this missense variant has a deleterious effect on protein structure/function; This variant is associated with the following publications: (PMID: 37025451)

Labcorp Genetics (formerly Invitae), Labcorp
Classification: Uncertain significance for Developmental and epileptic encephalopathy, 25. Last evaluated: 2023-04-19. Review status: criteria provided, single submitter. Criteria: Invitae Variant Classification Sherloc (09022015). Collection method: clinical testing. Allele origin: germline.
Comment: This sequence change replaces serine, which is neutral and polar, with asparagine, which is neutral and polar, at codon 217 of the SLC13A5 protein (p.Ser217Asn). In summary, the available evidence is currently insufficient to determine the role of this variant in disease. Therefore, it has been classified as a Variant of Uncertain Significance. Advanced modeling of protein sequence and biophysical properties (such as structural, functional, and spatial information, amino acid conservation, physicochemical variation, residue mobility, and thermodynamic stability) performed at Invitae indicates that this missense variant is not expected to disrupt SLC13A5 protein function. ClinVar contains an entry for this variant (Variation ID: 1052599). This variant has not been reported in the literature in individuals affected with SLC13A5-related conditions. This variant is not present in population databases (gnomAD no frequency).

NM_177550.5(SLC13A5):c.650G>A (p.Ser217Asn)

Gene: SLC13A5 (solute carrier family 13 member 5; minus strand). Cytogenetic location: 17p13.1.
Variant type: single nucleotide variant.
Coding change: c.650G>A on transcript NM_177550.5 (MANE Select); coding-DNA position 650, G replaced by A.
Protein change: p.Ser217Asn; replaces serine 217 with asparagine.
Molecular consequence: missense variant.
Genome position (GRCh38, 1-based): chr17:6,703,036, C>T on the plus strand (G>A on the coding strand, the complement: SLC13A5 is on the minus strand). VCF-style: chr17-6703036-C-T. GRCh37 (hg19) VCF-style: chr17-6606355-C-T.
Other names: c.650G>A (NM_177550.4); c.650G>A, p.Ser217Asn (NM_001143838.3); c.599G>A, p.Ser200Asn (NM_001284509.2); c.521G>A, p.Ser174Asn (NM_001284510.2); short protein forms S174N, S200N, S217N.
Identifiers: ClinVar variation 1052599 (VCV001052599.10), dbSNP rs1200030293, ClinGen allele CA397748980.